The following is an entry in ClinVar:

ClinVar aggregate classification (germline): Uncertain significance (1 of 4 stars; one submission).

Conditions:
Immunodeficiency, common variable, 2 (CVID2). Also called: ANTIBODY DEFICIENCY DUE TO TACI DEFECT; HYPOGAMMAGLOBULINEMIA DUE TO TACI DEFICIENCY. Identifiers: Orphanet 1572, MedGen C3150354, MONDO:0009413, OMIM 240500.

gnomAD v4.1: 3 of 1,613,610 alleles (0.00019%); highest among the groups gnomAD compares: East Asian, 0.0045%; no homozygotes.

Submission:

Labcorp Genetics (formerly Invitae), Labcorp
Classification: Uncertain significance for Immunodeficiency, common variable, 2. Last evaluated: 2024-07-05. Review status: criteria provided, single submitter. Criteria: Invitae Variant Classification Sherloc (09022015). Collection method: clinical testing. Allele origin: germline.
Comment: This sequence change replaces proline, which is neutral and non-polar, with histidine, which is basic and polar, at codon 270 of the TNFRSF13B protein (p.Pro270His). This variant is present in population databases (no rsID available, gnomAD 0.006%). This variant has not been reported in the literature in individuals affected with TNFRSF13B-related conditions. Advanced modeling of protein sequence and biophysical properties (such as structural, functional, and spatial information, amino acid conservation, physicochemical variation, residue mobility, and thermodynamic stability) performed at Invitae indicates that this missense variant is not expected to disrupt TNFRSF13B protein function with a negative predictive value of 80%. In summary, the available evidence is currently insufficient to determine the role of this variant in disease. Therefore, it has been classified as a Variant of Uncertain Significance.

NM_012452.3(TNFRSF13B):c.809C>A (p.Pro270His)

Gene: TNFRSF13B (TNF receptor superfamily member 13B; minus strand). Cytogenetic location: 17p11.2.
Variant type: single nucleotide variant.
Coding change: c.809C>A on transcript NM_012452.3 (MANE Select); coding-DNA position 809, C replaced by A.
Protein change: p.Pro270His; replaces proline 270 with histidine.
Molecular consequence: missense variant.
Genome position (GRCh38, 1-based): chr17:16,939,620, G>T on the plus strand (C>A on the coding strand, the complement: TNFRSF13B is on the minus strand). VCF-style: chr17-16939620-G-T. GRCh37 (hg19) VCF-style: chr17-16842934-G-T.
Other names: short protein forms P270H.
Identifiers: ClinVar variation 3680848 (VCV003680848.2).